The following is an entry in ClinVar:

ClinVar aggregate classification (germline): Conflicting classifications of pathogenicity. Review status: criteria provided, conflicting classifications (1 of 4 stars). 3 submissions from 3 submitters: Uncertain significance (2); Likely benign (1). Last evaluated 2025-06-05.

Conditions:
Familial sleep-related hypermotor epilepsy. Also called: Autosomal Dominant Sleep-Related Hypermotor (Hyperkinetic) Epilepsy. Identifiers: Orphanet 98784, MedGen C3696898, MONDO:0000030.
Inborn genetic diseases. Identifiers: MedGen C0950123, MeSH D030342.

Allele frequency attached by ClinVar (database versions not stated): gnomAD 0.00001; gnomAD exomes 0.00001 and 0.00003; TOPMed 0.00001; ExAC 0.00002.
gnomAD v4.1: 20 of 1,614,000 alleles (0.0012%); highest among the groups gnomAD compares: Non-Finnish European, 0.0016%; no homozygotes.

Submissions (3):

Ambry Genetics
Classification: Likely benign for Inborn genetic diseases. Last evaluated: 2025-06-05. Review status: criteria provided, single submitter. Criteria: Ambry Variant Classification Scheme 2023. Collection method: clinical testing. Allele origin: germline.

Labcorp Genetics (formerly Invitae), Labcorp
Classification: Uncertain significance. Last evaluated: 2024-01-24. Review status: criteria provided, single submitter. Criteria: Invitae Variant Classification Sherloc (09022015). Collection method: clinical testing. Allele origin: germline.
Comment: This sequence change replaces histidine, which is basic and polar, with arginine, which is basic and polar, at codon 323 of the CHRNB2 protein (p.His323Arg). This variant is present in population databases (rs201004255, gnomAD 0.006%). This missense change has been observed in individual(s) with clinical features of CHRNB2-related conditions (Invitae). ClinVar contains an entry for this variant (Variation ID: 573599). Advanced modeling of protein sequence and biophysical properties (such as structural, functional, and spatial information, amino acid conservation, physicochemical variation, residue mobility, and thermodynamic stability) performed at Invitae indicates that this missense variant is not expected to disrupt CHRNB2 protein function with a negative predictive value of 80%. In summary, the available evidence is currently insufficient to determine the role of this variant in disease. Therefore, it has been classified as a Variant of Uncertain Significance.

CeGaT Center for Human Genetics Tuebingen
Classification: Uncertain significance. Last evaluated: 2023-05-01. Review status: criteria provided, single submitter. Criteria: CeGaT Center For Human Genetics Tuebingen Variant Classification Criteria Version 2. Collection method: clinical testing. Allele origin: germline. Affected: yes. Observed: 1 variant allele.
Comment: CHRNB2: PP2, PP3

NM_000748.3(CHRNB2):c.968A>G (p.His323Arg)

Gene: CHRNB2 (cholinergic receptor nicotinic beta 2 subunit; plus strand). Cytogenetic location: 1q21.3.
Variant type: single nucleotide variant.
Coding change: c.968A>G on transcript NM_000748.3 (MANE Select); coding-DNA position 968, A replaced by G.
Protein change: p.His323Arg; replaces histidine 323 with arginine.
Molecular consequence: missense variant.
Genome position (GRCh38, 1-based): chr1:154,571,791, A>G. VCF-style: chr1-154571791-A-G. GRCh37 (hg19) VCF-style: chr1-154544267-A-G.
Other names: short protein forms H323R.
Identifiers: ClinVar variation 573599 (VCV000573599.34), dbSNP rs201004255, ClinGen allele CA1130803.
Genomic context (GRCh38, chr1:154,571,791, plus strand): 5'-TCACCATGGTGCTTGTCACCTTCTCCATCGTCACCAGCGTGTGCGTGCTCAACGTGCACC[A>G]CCGCTCGCCCACCACGCACACCATGGCGCCCTGGGTGAAGGTCGTCTTCCTGGAGAAGCT-3'
Protein context (NP_000739.1, residues 313-333): VTSVCVLNVH[His323Arg]RSPTTHTMAP